The following is an entry in ClinVar:

NM_014956.5(CEP164):c.3336T>C (p.Ser1112=)

Gene: CEP164 (centrosomal protein 164; plus strand). Cytogenetic location: 11q23.3.
Variant type: single nucleotide variant.
Coding change: c.3336T>C on transcript NM_014956.5 (MANE Select); coding-DNA position 3336, T replaced by C.
Protein change: p.Ser1112=; no amino-acid change (serine 1112 retained).
Molecular consequence: synonymous variant.
Genome position (GRCh38, 1-based): chr11:117,397,148, T>C. VCF-style: chr11-117397148-T-C. GRCh37 (hg19) VCF-style: chr11-117267864-T-C.
Other names: c.3345T>C, p.Ser1115= (NM_001271933.2); c.3336T>C (NM_014956.4).
Identifiers: ClinVar variation 2046694 (VCV002046694.5), dbSNP rs779014714, ClinGen allele CA6295424.

ClinVar aggregate classification (germline): Likely benign. Review status: criteria provided, multiple submitters, no conflicts (2 of 4 stars). 2 submissions from 2 submitters: Likely benign (2). Last evaluated 2025-11-04.

Conditions:
CEP164-related disorder. Also called: CEP164-related condition.
Nephronophthisis 15 (NPHP15). Identifiers: Orphanet 3156, MedGen C3541853, MONDO:0013917, OMIM 614845.

Allele frequency attached by ClinVar (database versions not stated): ExAC 0.00001; gnomAD 0.00003.
gnomAD v4.1: 9 of 1,614,116 alleles (0.00056%); highest among the groups gnomAD compares: African/African-American, 0.0093%; no homozygotes.

Submissions (2):

PreventionGenetics, part of Exact Sciences
Classification: Likely benign for CEP164-related condition. Last evaluated: 2025-11-04. Review status: criteria provided, single submitter. Criteria: ACMG Guidelines, 2015. Collection method: clinical testing. Allele origin: germline.
Comment: This variant is classified as likely benign based on ACMG/AMP sequence variant interpretation guidelines (Richards et al. 2015 PMID: 25741868, with internal and published modifications).

Labcorp Genetics (formerly Invitae), Labcorp
Classification: Likely benign for Nephronophthisis 15. Last evaluated: 2025-06-12. Review status: criteria provided, single submitter. Criteria: Invitae Variant Classification Sherloc (09022015). Collection method: clinical testing. Allele origin: germline.